The following is an entry in ClinVar:

NM_000321.3(RB1):c.2434C>T (p.Pro812Ser)

Gene: RB1 (RB transcriptional corepressor 1; plus strand). Cytogenetic location: 13q14.2.
Variant type: single nucleotide variant.
Coding change: c.2434C>T on transcript NM_000321.3 (MANE Select); coding-DNA position 2434, C replaced by T.
Protein change: p.Pro812Ser; replaces proline 812 with serine.
Molecular consequence: missense variant.
Genome position (GRCh38, 1-based): chr13:48,465,313, C>T. VCF-style: chr13-48465313-C-T. GRCh37 (hg19) VCF-style: chr13-49039449-C-T.
Other names: c.2434C>T, p.Pro812Ser (NM_001407165.1); short protein forms P812S.
Identifiers: ClinVar variation 4151160 (VCV004151160.1).

ClinVar aggregate classification (germline): Uncertain significance (1 of 4 stars; one submission).

Conditions:
Hereditary cancer-predisposing syndrome. Also called: Hereditary neoplastic syndrome; Neoplastic Syndromes, Hereditary; Tumor predisposition; Hereditary Cancer Syndrome. Identifiers: Orphanet 140162, MedGen C0027672, MeSH D009386, MONDO:0015356.

gnomAD v4.1: 1 of 1,611,216 alleles (0.000062%); no homozygotes.

Submission:

Ambry Genetics
Classification: Uncertain significance for Hereditary cancer-predisposing syndrome. Last evaluated: 2025-06-20. Review status: criteria provided, single submitter. Criteria: Ambry Variant Classification Scheme 2023. Collection method: clinical testing. Allele origin: germline.
Comment: The p.P812S variant (also known as c.2434C>T), located in coding exon 23 of the RB1 gene, results from a C to T substitution at nucleotide position 2434. The proline at codon 812 is replaced by serine, an amino acid with similar properties. This amino acid position is well conserved in available vertebrate species. In addition, this alteration is predicted to be tolerated by in silico analysis. Based on the available evidence, the clinical significance of this variant remains unclear.